The following is an entry in ClinVar:

ClinVar aggregate classification (germline): Uncertain significance (1 of 4 stars; one submission).

Submission:

Women's Health and Genetics/Laboratory Corporation of America, LabCorp
Classification: Uncertain significance. Last evaluated: 2025-11-14. Review status: criteria provided, single submitter. Criteria: LabCorp Variant Classification Summary - May 2015. Collection method: clinical testing. Allele origin: germline.
Comment: Variant summary: GLB1 c.902C>G (p.Ala301Gly) results in a non-conservative amino acid change in the encoded protein sequence. Algorithms developed to predict the effect of missense changes on protein structure and function all suggest that this variant is likely to be disruptive. The variant was absent in 249468 control chromosomes. The available data on variant occurrences in the general population are insufficient to allow any conclusion about variant significance. To our knowledge, no occurrence of c.902C>G in individuals affected with GLB1-related conditions and no experimental evidence demonstrating its impact on protein function have been reported. No submitters have cited clinical-significance assessments for this variant to ClinVar. Based on the evidence outlined above, the variant was classified as uncertain significance.

NM_000404.4(GLB1):c.902C>G (p.Ala301Gly)

Gene: GLB1 (galactosidase beta 1; minus strand). Cytogenetic location: 3p22.3.
Variant type: single nucleotide variant.
Coding change: c.902C>G on transcript NM_000404.4 (MANE Select); coding-DNA position 902, C replaced by G.
Protein change: p.Ala301Gly; replaces alanine 301 with glycine.
Molecular consequence: missense variant.
Genome position (GRCh38, 1-based): chr3:33,051,895, G>C on the plus strand (C>G on the coding strand, the complement: GLB1 is on the minus strand). VCF-style: chr3-33051895-G-C. GRCh37 (hg19) VCF-style: chr3-33093387-G-C.
Other names: c.812C>G, p.Ala271Gly (NM_001079811.3); c.509C>G, p.Ala170Gly (NM_001135602.3); c.1046C>G, p.Ala349Gly (NM_001317040.2); c.902C>G, p.Ala301Gly (NM_001393580.1); short protein forms A170G, A271G, A301G, A349G.
Identifiers: ClinVar variation 4536702 (VCV004536702.1).
Genomic context (GRCh38, chr3:33,051,895, plus strand): 5'-AGCCCATGGCTACTGAGGGCACCCTCCCCTCAGGCAATGAACACTCACAAGTTCACACTC[G>C]CCCCACGGGCAAGTATATCATAGAGGGAGGAAGCCACTGCTTCGGTCTTGATTGTGGAGT-3'
Protein context (NP_000395.3, residues 291-311): SSLYDILARG[Ala301Gly]SVNLYMFIGG